The following is an entry in ClinVar:

ClinVar aggregate classification (germline): Uncertain significance (1 of 4 stars; one submission).

Conditions:
Inborn genetic diseases. Identifiers: MedGen C0950123, MeSH D030342.

gnomAD v4.1: 1 of 1,613,944 alleles (0.000062%); highest among the groups gnomAD compares: African/African-American, 0.0013%; no homozygotes.

Submission:

Ambry Genetics
Classification: Uncertain significance for Inborn genetic diseases. Last evaluated: 2026-03-19. Review status: criteria provided, single submitter. Criteria: Ambry Variant Classification Scheme 2023. Collection method: clinical testing. Allele origin: germline.
Comment: The c.686C>T (p.T229I) alteration is located in exon 10 (coding exon 8) of the TMEM63A gene. This alteration results from a C to T substitution at nucleotide position 686, causing the threonine (T) at amino acid position 229 to be replaced by an isoleucine (I). Based on data from gnomAD, the T allele has an overall frequency of <0.001% (1/251058) total alleles studied. The highest observed frequency was 0.006% (1/16226) of African alleles. Based on insufficient or conflicting evidence, the clinical significance of this alteration remains unclear.

NM_014698.3(TMEM63A):c.686C>T (p.Thr229Ile)

Gene: TMEM63A (transmembrane protein 63A; minus strand). Cytogenetic location: 1q42.12.
Variant type: single nucleotide variant.
Coding change: c.686C>T on transcript NM_014698.3 (MANE Select); coding-DNA position 686, C replaced by T.
Protein change: p.Thr229Ile; replaces threonine 229 with isoleucine.
Molecular consequence: missense variant.
Genome position (GRCh38, 1-based): chr1:225,865,957, G>A on the plus strand (C>T on the coding strand, the complement: TMEM63A is on the minus strand). VCF-style: chr1-225865957-G-A. GRCh37 (hg19) VCF-style: chr1-226053657-G-A.
Other names: short protein forms T229I.
Identifiers: ClinVar variation 4865756 (VCV004865756.1).